The following is an entry in ClinVar:

NM_001379270.1(CNGA1):c.107+2T>G

Genes: CNGA1 (cyclic nucleotide gated channel subunit alpha 1; minus strand), LOC101927157 (uncharacterized LOC101927157; plus strand). Cytogenetic location: 4p12.
Variant type: single nucleotide variant.
Coding change: c.107+2T>G on transcript NM_001379270.1 (MANE Select); the canonical splice donor site of the intron after coding-DNA position 107, T replaced by G.
Molecular consequence: splice donor variant.
Genome position (GRCh38, 1-based): chr4:47,952,581, A>C on the plus strand (T>G on the coding strand, the complement: CNGA1 is on the minus strand). VCF-style: chr4-47952581-A-C. GRCh37 (hg19) VCF-style: chr4-47954598-A-C.
Other names: c.107+2T>G (NM_000087.5, NM_001142564.2).
Identifiers: ClinVar variation 2796557 (VCV002796557.5), dbSNP rs764086464, ClinGen allele CA2911389.

ClinVar aggregate classification (germline): Likely pathogenic. Review status: criteria provided, multiple submitters, no conflicts (2 of 4 stars). 3 submissions from 3 submitters: Likely pathogenic (3). Last evaluated 2024-02-14.

Conditions:
CNGA1-related disorder. Also called: CNGA1-related condition.
Retinitis pigmentosa 49 (RP49). Identifiers: Orphanet 791, MedGen C3151059, MONDO:0013405, OMIM 613756.

Allele frequency attached by ClinVar (database versions not stated): gnomAD exomes below 0.00001; ExAC 0.00001.
gnomAD v4.1: 3 of 1,612,660 alleles (0.00019%); highest among the groups gnomAD compares: Non-Finnish European, 0.00025%; no homozygotes.

Submissions (3):

Fulgent Genetics
Classification: Likely pathogenic for Retinitis pigmentosa 49. Last evaluated: 2024-02-14. Review status: criteria provided, single submitter. Criteria: ACMG Guidelines, 2015. Collection method: clinical testing. Allele origin: germline.

Labcorp Genetics (formerly Invitae), Labcorp
Classification: Likely pathogenic. Last evaluated: 2023-01-20. Review status: criteria provided, single submitter. Criteria: Invitae Variant Classification Sherloc (09022015). Collection method: clinical testing. Allele origin: germline.
Comment: In summary, the currently available evidence indicates that the variant is pathogenic, but additional data are needed to prove that conclusively. Therefore, this variant has been classified as Likely Pathogenic. Algorithms developed to predict the effect of sequence changes on RNA splicing suggest that this variant may disrupt the consensus splice site. This variant has not been reported in the literature in individuals affected with CNGA1-related conditions. This variant is present in population databases (rs764086464, gnomAD 0.0009%). This sequence change affects a donor splice site in intron 4 of the CNGA1 gene. It is expected to disrupt RNA splicing. Variants that disrupt the donor or acceptor splice site typically lead to a loss of protein function (PMID: 16199547), and loss-of-function variants in CNGA1 are known to be pathogenic (PMID: 7479749, 25268133).

Blueprint Genetics
Classification: Likely pathogenic for CNGA1-related disorders. Last evaluated: 2022-11-04. Review status: criteria provided, single submitter. Criteria: ACMG Guidelines, 2015. Collection method: clinical testing. Allele origin: germline. Affected: yes. Observed: 1 variant allele.

Literature cited by the submitters: PubMed 16199547 (cited by Labcorp Genetics (formerly Invitae), Labcorp); PubMed 7479749 (cited by Labcorp Genetics (formerly Invitae), Labcorp); PubMed 25268133 (cited by Labcorp Genetics (formerly Invitae), Labcorp).